The following is an entry in ClinVar:

ClinVar aggregate classification (germline): Uncertain significance (1 of 4 stars; one submission).

Conditions:
PLXNA2-related disorder. Also called: PLXNA2-related condition.

Submission:

PreventionGenetics, part of Exact Sciences
Classification: Uncertain significance for PLXNA2-related condition. Last evaluated: 2025-06-16. Review status: criteria provided, single submitter. Criteria: ACMG Guidelines, 2015. Collection method: clinical testing. Allele origin: germline.
Comment: The PLXNA2 c.1037A>T variant is predicted to result in the amino acid substitution p.Tyr346Phe. To our knowledge, this variant has not been reported in the literature or in a large population database (gnomAD), indicating this variant is rare. At this time, the clinical significance of this variant is uncertain due to the absence of conclusive functional and genetic evidence.

NM_025179.4(PLXNA2):c.1037A>T (p.Tyr346Phe)

Gene: PLXNA2 (plexin A2; minus strand). Cytogenetic location: 1q32.2.
Variant type: single nucleotide variant.
Coding change: c.1037A>T on transcript NM_025179.4 (MANE Select); coding-DNA position 1037, A replaced by T.
Protein change: p.Tyr346Phe; replaces tyrosine 346 with phenylalanine.
Molecular consequence: missense variant.
Genome position (GRCh38, 1-based): chr1:208,216,886, T>A on the plus strand (A>T on the coding strand, the complement: PLXNA2 is on the minus strand). VCF-style: chr1-208216886-T-A. GRCh37 (hg19) VCF-style: chr1-208390231-T-A.
Other names: short protein forms Y346F.
Identifiers: ClinVar variation 5000815 (VCV005000815.1).